The following is an entry in ClinVar:

NM_207163.3(LMOD2):c.972_973dup (p.Asn325fs)

Gene: LMOD2 (leiomodin 2; plus strand). Cytogenetic location: 7q31.32.
Variant type: Microsatellite.
Coding change: c.972_973dup on transcript NM_207163.3 (MANE Select); coding-DNA positions 972 to 973, 2 bases duplicated (GA; older notation c.972_973dupGA).
Protein change: p.Asn325fs; shifts the reading frame from asparagine 325.
Molecular consequence: frameshift variant.
Genome position (GRCh38, 1-based): chr7:123,662,558-123,662,559, GA duplicated; duplicating any 2 consecutive bases within chr7:123,662,556-123,662,559 gives the same sequence; the c. name uses the placement nearest the transcript's 3' end. VCF-style (leftmost placement, unchanged base first): chr7-123662555-G-GGA. GRCh37 (hg19) VCF-style: chr7-123302609-G-GGA.
Other names: c.972_973dupGA (NM_207163.1); short protein forms N325fs.
Identifiers: ClinVar variation 4897654 (VCV004897654.2).

ClinVar aggregate classification (germline): Likely pathogenic. Review status: criteria provided, multiple submitters, no conflicts (2 of 4 stars). 2 submissions from 2 submitters: Likely pathogenic (2). Last evaluated 2026-03-31.

Conditions:
LMOD2-related disorders.
LMOD2-related condition.

Submissions (2):

PreventionGenetics, part of Exact Sciences
Classification: Likely pathogenic for LMOD2-related condition. Last evaluated: 2026-03-31. Review status: criteria provided, single submitter. Criteria: ACMG Guidelines, 2015. Collection method: clinical testing. Allele origin: germline.
Comment: The LMOD2 c.972_973dupGA variant is predicted to result in a frameshift and premature protein termination (p.Asn325Argfs*6). To our knowledge, this variant has not been reported in the literature. This variant is reported in 0.0047% of alleles in individuals of European (Non-Finnish) descent in gnomAD. Frameshift variants in LMOD2 are expected to be pathogenic. This variant is interpreted as likely pathogenic.

Blueprint Genetics
Classification: Likely pathogenic for LMOD2-related disorders. Last evaluated: 2023-10-24. Review status: criteria provided, single submitter. Criteria: ACMG Guidelines, 2015. Collection method: clinical testing. Allele origin: germline. Affected: yes. Observed: 2 variant alleles.